The following is an entry in ClinVar:

ClinVar aggregate classification (germline): Pathogenic (1 of 4 stars; one submission).

Conditions:
Duchenne muscular dystrophy (DMD). Also called: MUSCULAR DYSTROPHY, PSEUDOHYPERTROPHIC PROGRESSIVE, DUCHENNE TYPE; Duchenne Muscular Dystrophy (DMD). Identifiers: Orphanet 98896, MedGen C0013264, MONDO:0010679, OMIM 310200.

Submission:

Labcorp Genetics (formerly Invitae), Labcorp
Classification: Pathogenic for Duchenne muscular dystrophy. Last evaluated: 2020-01-11. Review status: criteria provided, single submitter. Criteria: Invitae Variant Classification Sherloc (09022015). Collection method: clinical testing. Allele origin: germline.
Comment: For these reasons, this variant has been classified as Pathogenic. Donor and acceptor splice site variants typically lead to a loss of protein function (PMID: 16199547), and loss-of-function variants in DMD are known to be pathogenic (PMID: 16770791, 25007885). Algorithms developed to predict the effect of sequence changes on RNA splicing suggest that this variant may disrupt the consensus splice site, but this prediction has not been confirmed by published transcriptional studies. Disruption of this splice site has been observed in individual(s) with Duchenne muscular dystrophy (PMID: 28859693, 29973226, 17726484). This variant is not present in population databases (ExAC no frequency). This sequence change affects an acceptor splice site in intron 10 of the DMD gene. It is expected to disrupt RNA splicing and likely results in an absent or disrupted protein product.

Literature cited by the submitters: PubMed 16199547; PubMed 16770791; PubMed 25007885; PubMed 28859693; PubMed 29973226; PubMed 17726484.

NM_004006.3(DMD):c.1150-2_1150-1del

Gene: DMD (dystrophin; minus strand). Cytogenetic location: Xp21.1.
Variant type: Deletion.
Coding change: c.1150-2_1150-1del on transcript NM_004006.3 (MANE Select); the canonical splice acceptor site of the intron before coding-DNA position 1150, 2 bases deleted (AG; older notation c.1150-2_1150-1delAG).
Molecular consequence: splice acceptor variant.
Genome position (GRCh38, 1-based): chrX:32,644,314-32,644,315, CT deleted on the plus strand (AG on the coding strand, the reverse complement: DMD is on the minus strand). VCF-style (leftmost placement, unchanged base first): chrX-32644313-CCT-C. GRCh37 (hg19) VCF-style: chrX-32662430-CCT-C.
Other names: c.1126-2_1126-1del (NM_000109.4); c.1138-2_1138-1del (NM_004009.3); c.781-2_781-1del (NM_004010.3).
Identifiers: ClinVar variation 1071448 (VCV001071448.10), dbSNP rs2146822662, ClinGen allele CA2499226660.